The following is an entry in ClinVar:

NM_001204.7(BMPR2):c.666G>T (p.Leu222Phe)

Gene: BMPR2 (bone morphogenetic protein receptor type 2; plus strand). Cytogenetic location: 2q33.2.
Variant type: single nucleotide variant.
Coding change: c.666G>T on transcript NM_001204.7 (MANE Select); coding-DNA position 666, G replaced by T.
Protein change: p.Leu222Phe; replaces leucine 222 with phenylalanine.
Molecular consequence: missense variant.
Genome position (GRCh38, 1-based): chr2:202,518,866, G>T. VCF-style: chr2-202518866-G-T. GRCh37 (hg19) VCF-style: chr2-203383589-G-T.
Other names: short protein forms L222F.
Identifiers: ClinVar variation 4214446 (VCV004214446.1).

ClinVar aggregate classification (germline): Uncertain significance (1 of 4 stars; one submission).

Conditions:
Inborn genetic diseases. Identifiers: MedGen C0950123, MeSH D030342.

gnomAD v4.1: 1 of 1,614,198 alleles (0.000062%); highest among the groups gnomAD compares: Non-Finnish European, 0.000085%; no homozygotes.

Submission:

Ambry Genetics
Classification: Uncertain significance for Inborn genetic diseases. Last evaluated: 2025-07-15. Review status: criteria provided, single submitter. Criteria: Ambry Variant Classification Scheme 2023. Collection method: clinical testing. Allele origin: germline.
Comment: The p.L222F variant (also known as c.666G>T), located in coding exon 6 of the BMPR2 gene, results from a G to T substitution at nucleotide position 666. The leucine at codon 222 is replaced by phenylalanine, an amino acid with highly similar properties. This amino acid position is conserved. In addition, the in silico prediction for this alteration is inconclusive. Based on the available evidence, the clinical significance of this variant remains unclear.